The following is an entry in ClinVar:

ClinVar aggregate classification (germline): Uncertain significance (1 of 4 stars; one submission).

Conditions:
Cohen syndrome (COH1). Also called: PEPPER SYNDROME; Cutis verticis gyrata, retinitis pigmentosa, and sensorineural deafness. Identifiers: Orphanet 193, MedGen C0265223, MONDO:0008999, OMIM 216550.

Submission:

Labcorp Genetics (formerly Invitae), Labcorp
Classification: Uncertain significance for Cohen syndrome. Last evaluated: 2022-06-19. Review status: criteria provided, single submitter. Criteria: Invitae Variant Classification Sherloc (09022015). Collection method: clinical testing. Allele origin: germline.
Comment: This sequence change replaces lysine, which is basic and polar, with asparagine, which is neutral and polar, at codon 736 of the VPS13B protein (p.Lys736Asn). This variant also falls at the last nucleotide of exon 15, which is part of the consensus splice site for this exon. This variant is not present in population databases (gnomAD no frequency). This variant has not been reported in the literature in individuals affected with VPS13B-related conditions. Algorithms developed to predict the effect of missense changes on protein structure and function are either unavailable or do not agree on the potential impact of this missense change (SIFT: "Not Available"; PolyPhen-2: "Probably Damaging"; Align-GVGD: "Not Available"). In summary, the available evidence is currently insufficient to determine the role of this variant in disease. Therefore, it has been classified as a Variant of Uncertain Significance. Variants that disrupt the consensus splice site are a relatively common cause of aberrant splicing (PMID: 17576681, 9536098). Algorithms developed to predict the effect of sequence changes on RNA splicing suggest that this variant may disrupt the consensus splice site.

Literature cited by the submitters: PubMed 17576681; PubMed 9536098.

NM_152564.5(VPS13B):c.2208G>C (p.Lys736Asn)

Gene: VPS13B (vacuolar protein sorting 13 homolog B; plus strand). Cytogenetic location: 8q22.2.
Variant type: single nucleotide variant.
Coding change: c.2208G>C on transcript NM_152564.5 (MANE Select); coding-DNA position 2208, G replaced by C.
Protein change: p.Lys736Asn; replaces lysine 736 with asparagine.
Molecular consequence: missense variant.
Genome position (GRCh38, 1-based): chr8:99,156,743, G>C. VCF-style: chr8-99156743-G-C. GRCh37 (hg19) VCF-style: chr8-100168971-G-C.
Other names: c.2208G>C, p.Lys736Asn (NM_015243.3, NM_017890.5); short protein forms K736N.
Identifiers: ClinVar variation 2008334 (VCV002008334.4), dbSNP rs2488834570, ClinGen allele CA371865271.